The following is an entry in ClinVar:

NM_003482.4(KMT2D):c.10232-4C>T

Gene: KMT2D (lysine methyltransferase 2D; minus strand). Cytogenetic location: 12q13.12.
Variant type: single nucleotide variant.
Coding change: c.10232-4C>T on transcript NM_003482.4 (MANE Select); 4 bases into the intron before coding-DNA position 10232, C replaced by T.
Molecular consequence: intron variant.
Genome position (GRCh38, 1-based): chr12:49,034,939, G>A on the plus strand (C>T on the coding strand, the complement: KMT2D is on the minus strand). VCF-style: chr12-49034939-G-A. GRCh37 (hg19) VCF-style: chr12-49428722-G-A.
Identifiers: ClinVar variation 3032019 (VCV003032019.4), dbSNP rs886043599, ClinGen allele CA2034951437.

ClinVar aggregate classification (germline): Likely benign. Review status: criteria provided, single submitter (1 of 4 stars). 2 submissions from 2 submitters: Likely benign (1). 1 of the submissions does not count toward it. Last evaluated 2024-02-12.

Conditions:
KMT2D-related disorder. Also called: KMT2D-Related Disorders.
Kabuki syndrome. Also called: Kabuki make-up syndrome; NIIKAWA-KUROKI SYNDROME. Identifiers: Orphanet 2322, MedGen C0796004, MONDO:0016512.

Allele frequency attached by ClinVar (database versions not stated): gnomAD exomes below 0.00001; TOPMed below 0.00001.
gnomAD v4.1: 4 of 1,613,902 alleles (0.00025%); highest among the groups gnomAD compares: Non-Finnish European, 0.00034%; no homozygotes.

Submissions (2):

Labcorp Genetics (formerly Invitae), Labcorp
Classification: Likely benign for Kabuki syndrome. Last evaluated: 2024-02-12. Review status: criteria provided, single submitter. Criteria: Invitae Variant Classification Sherloc (09022015). Collection method: clinical testing. Allele origin: germline.

PreventionGenetics, part of Exact Sciences
Classification: Likely benign for KMT2D-related condition. Last evaluated: 2021-05-05. Review status: no assertion criteria provided. Collection method: clinical testing. Allele origin: germline. Not counted in ClinVar's aggregate classification.
Comment: This variant is classified as likely benign based on ACMG/AMP sequence variant interpretation guidelines (Richards et al. 2015 PMID: 25741868, with internal and published modifications).